The following is an entry in ClinVar:

ClinVar aggregate classification (germline): Pathogenic (1 of 4 stars; one submission).

Submission:

Labcorp Genetics (formerly Invitae), Labcorp
Classification: Pathogenic. Last evaluated: 2021-06-05. Review status: criteria provided, single submitter. Criteria: Invitae Variant Classification Sherloc (09022015). Collection method: clinical testing. Allele origin: germline.
Comment: This sequence change creates a premature translational stop signal (p.Leu197*) in the CNGB3 gene. It is expected to result in an absent or disrupted protein product. Loss-of-function variants in CNGB3 are known to be pathogenic (PMID: 28795510). This variant is not present in population databases (ExAC no frequency). This variant has not been reported in the literature in individuals with CNGB3-related conditions. For these reasons, this variant has been classified as Pathogenic.

Literature cited by the submitters: PubMed 28795510.

NM_019098.5(CNGB3):c.590T>G (p.Leu197Ter)

Gene: CNGB3 (cyclic nucleotide gated channel subunit beta 3; minus strand). Cytogenetic location: 8q21.3.
Variant type: single nucleotide variant.
Coding change: c.590T>G on transcript NM_019098.5 (MANE Select); coding-DNA position 590, T replaced by G.
Protein change: p.Leu197Ter; replaces leucine 197 with a stop codon.
Molecular consequence: nonsense.
Genome position (GRCh38, 1-based): chr8:86,668,072, A>C on the plus strand (T>G on the coding strand, the complement: CNGB3 is on the minus strand). VCF-style: chr8-86668072-A-C. GRCh37 (hg19) VCF-style: chr8-87680300-A-C.
Other names: short protein forms L197*.
Identifiers: ClinVar variation 1452702 (VCV001452702.6), dbSNP rs2131616018, ClinGen allele CA371449803.
Genomic context (GRCh38, chr8:86,668,072, plus strand): 5'-ATAATACCTGTGTATGAATCTATGCTGTTTGGAAGTTTAATTCGCTTTAAGTACTCTGTT[A>C]AAGGCATCTTTTTGACTTTGAACCACAACAGCCTGTAGTAATGTTCTGTTGGCTTATCAT-3'